The following is an entry in ClinVar:

NM_001035.3(RYR2):c.6780G>C (p.Pro2260=)

Gene: RYR2 (ryanodine receptor 2; plus strand). Cytogenetic location: 1q43.
Variant type: single nucleotide variant.
Coding change: c.6780G>C on transcript NM_001035.3 (MANE Select); coding-DNA position 6780, G replaced by C.
Protein change: p.Pro2260=; no amino-acid change (proline 2260 retained).
Molecular consequence: synonymous variant.
Genome position (GRCh38, 1-based): chr1:237,634,980, G>C. VCF-style: chr1-237634980-G-C. GRCh37 (hg19) VCF-style: chr1-237798280-G-C.
Other names: c.6780G>C, p.Pro2260= (LRG_402t1).
Identifiers: ClinVar variation 463623 (VCV000463623.15), dbSNP rs758855412, ClinGen allele CA423818702.
Genomic context (GRCh38, chr1:237,634,980, plus strand): 5'-GGATGTGGCTGCAGCTTCGGTGATGGATAATAATGAACTAGCATTAGCTCTGCGTGAGCC[G>C]GATCTAGAAAAGGTGAGCAATGTTCCTGCCCTGTGTGTTTGTCTGAATTATGCTTTTTCA-3'
Protein context (NP_001026.2, residues 2250-2270): NNELALALRE[Pro2260=]DLEKVVRYLA

ClinVar aggregate classification (germline): Likely benign. Review status: criteria provided, multiple submitters, no conflicts (2 of 4 stars). 3 submissions from 3 submitters: Likely benign (3). Last evaluated 2024-05-28.

Conditions:
Catecholaminergic polymorphic ventricular tachycardia (CVPT). Also called: Catecholamine-induced polymorphic ventricular tachycardia. Identifiers: Orphanet 3286, MedGen C5574922, MONDO:0017990.
Cardiomyopathy (CMYO). Also called: Cardiomyopathies. Identifiers: Orphanet 167848, MedGen C0878544, MONDO:0004994, HP:0001638. Inheritance: Various modes of inheritance.
Catecholaminergic polymorphic ventricular tachycardia 1. Also called: VENTRICULAR TACHYCARDIA, STRESS-INDUCED POLYMORPHIC 1; VENTRICULAR TACHYCARDIA, CATECHOLAMINERGIC POLYMORPHIC, 1, WITH OR WITHOUT ATRIAL DYSFUNCTION AND/OR DILATED CARDIOMYOPATHY; RYR2-Related Catecholaminergic Polymorphic Ventricular Tachycardia. Identifiers: Orphanet 3286, MedGen C1631597, MONDO:0011484, OMIM 604772.

gnomAD v4.1: 2 of 1,592,668 alleles (0.00013%); highest among the groups gnomAD compares: Non-Finnish European, 0.00017%; no homozygotes.

Submissions (3):

Labcorp Genetics (formerly Invitae), Labcorp
Classification: Likely benign for Catecholaminergic polymorphic ventricular tachycardia 1. Last evaluated: 2024-05-28. Review status: criteria provided, single submitter. Criteria: Invitae Variant Classification Sherloc (09022015). Collection method: clinical testing. Allele origin: germline.

All of Us Research Program, National Institutes of Health
Classification: Likely benign for Catecholaminergic polymorphic ventricular tachycardia. Last evaluated: 2023-12-13. Review status: criteria provided, single submitter. Criteria: ACMG Guidelines, 2015. Collection method: clinical testing. Allele origin: germline. Inheritance: Autosomal dominant inheritance. Observed: 2 variant alleles, 2 heterozygotes.
Comment: This study involves interpretation of variants in research participants for the purpose of population health screening. Participant phenotype was not available at the time of variant classification. Additional details can be found in publication PMID: 35346344, PMCID: PMC8962531

Color Diagnostics, LLC DBA Color Health
Classification: Likely benign for Cardiomyopathy. Last evaluated: 2022-11-06. Review status: criteria provided, single submitter. Criteria: ACMG Guidelines, 2015. Collection method: clinical testing. Allele origin: germline.